The following is an entry in ClinVar:

ClinVar aggregate classification (germline): Uncertain significance. Review status: criteria provided, multiple submitters, no conflicts (2 of 4 stars). 2 submissions from 2 submitters: Uncertain significance (2). Last evaluated 2023-03-22.

Conditions:
Inborn genetic diseases. Identifiers: MedGen C0950123, MeSH D030342.
Glycogen storage disease due to muscle and heart glycogen synthase deficiency. Also called: GSD 0b; MUSCLE GLYCOGEN SYNTHASE DEFICIENCY. Identifiers: Orphanet 137625, MedGen C1969054, MONDO:0012693, OMIM 611556.

Allele frequency attached by ClinVar (database versions not stated): gnomAD exomes below 0.00001 and 0.00001; gnomAD 0.00003; ExAC 0.00005.
gnomAD v4.1: 8 of 1,559,196 alleles (0.00051%); highest among the groups gnomAD compares: East Asian, 0.0095%; no homozygotes.

Submissions (2):

Ambry Genetics
Classification: Uncertain significance for Inborn genetic diseases. Last evaluated: 2023-03-22. Review status: criteria provided, single submitter. Criteria: Ambry Variant Classification Scheme 2023. Collection method: clinical testing. Allele origin: germline.

Labcorp Genetics (formerly Invitae), Labcorp
Classification: Uncertain significance for Glycogen storage disease due to muscle and heart glycogen synthase deficiency. Last evaluated: 2021-12-02. Review status: criteria provided, single submitter. Criteria: Invitae Variant Classification Sherloc (09022015). Collection method: clinical testing. Allele origin: germline.
Comment: This sequence change replaces glutamic acid, which is acidic and polar, with glutamine, which is neutral and polar, at codon 735 of the GYS1 protein (p.Glu735Gln). This variant is present in population databases (rs546920953, gnomAD 0.004%). This variant has not been reported in the literature in individuals affected with GYS1-related conditions. Algorithms developed to predict the effect of missense changes on protein structure and function are either unavailable or do not agree on the potential impact of this missense change (SIFT: "Deleterious"; PolyPhen-2: "Not Available"; Align-GVGD: "Class C0"). In summary, the available evidence is currently insufficient to determine the role of this variant in disease. Therefore, it has been classified as a Variant of Uncertain Significance.

NM_002103.5(GYS1):c.2203G>C (p.Glu735Gln)

Gene: GYS1 (glycogen synthase 1; minus strand). Cytogenetic location: 19q13.33.
Variant type: single nucleotide variant.
Coding change: c.2203G>C on transcript NM_002103.5 (MANE Select); coding-DNA position 2203, G replaced by C.
Protein change: p.Glu735Gln; replaces glutamic acid 735 with glutamine.
Molecular consequence: missense variant. On other transcripts: non-coding transcript variant (1).
Genome position (GRCh38, 1-based): chr19:48,969,299, C>G on the plus strand (G>C on the coding strand, the complement: GYS1 is on the minus strand). VCF-style: chr19-48969299-C-G. GRCh37 (hg19) VCF-style: chr19-49472556-C-G.
Other names: c.2203G>C (NM_002103.4); c.2011G>C, p.Glu671Gln (NM_001161587.2); short protein forms E735Q, E671Q.
Identifiers: ClinVar variation 1391102 (VCV001391102.6), dbSNP rs546920953, ClinGen allele CA9562691.